The following is an entry in ClinVar:

ClinVar aggregate classification (germline): Uncertain significance (1 of 4 stars; one submission).

Conditions:
Familial adenomatous polyposis 1 (FAP1). Also called: POLYPOSIS, ADENOMATOUS INTESTINAL; FAMILIAL ADENOMATOUS POLYPOSIS 1, ATTENUATED. Identifiers: MedGen C2713442, MONDO:0021056, OMIM 175100. Disease mechanism: loss of function.

Allele frequency attached by ClinVar (database versions not stated): gnomAD exomes below 0.00001 and 0.00001; ExAC 0.00001.
gnomAD v4.1: 6 of 1,613,790 alleles (0.00037%); no homozygotes.

Submission:

Labcorp Genetics (formerly Invitae), Labcorp
Classification: Uncertain significance for Familial adenomatous polyposis 1. Last evaluated: 2025-10-01. Review status: criteria provided, single submitter. Criteria: Invitae Variant Classification Sherloc (09022015). Collection method: clinical testing. Allele origin: germline.
Comment: This sequence change replaces aspartic acid, which is acidic and polar, with glutamic acid, which is acidic and polar, at codon 434 of the APC protein (p.Asp434Glu). This variant is present in population databases (rs775172323, gnomAD 0.008%). This missense change has been observed in individual(s) with familial adenomatous polyposis (PMID: 23159591). ClinVar contains an entry for this variant (Variation ID: 1381100). Invitae Evidence Modeling of protein sequence and biophysical properties (such as structural, functional, and spatial information, amino acid conservation, physicochemical variation, residue mobility, and thermodynamic stability) indicates that this missense variant is not expected to disrupt APC protein function with a negative predictive value of 95%. In summary, the available evidence is currently insufficient to determine the role of this variant in disease. Therefore, it has been classified as a Variant of Uncertain Significance.

Literature cited by the submitters: PubMed 23159591.

NM_000038.6(APC):c.1302C>G (p.Asp434Glu)

Gene: APC (APC regulator of Wnt signaling pathway; plus strand). Cytogenetic location: 5q22.2.
Variant type: single nucleotide variant.
Coding change: c.1302C>G on transcript NM_000038.6 (MANE Select); coding-DNA position 1302, C replaced by G.
Protein change: p.Asp434Glu; replaces aspartic acid 434 with glutamic acid.
Molecular consequence: missense variant.
Genome position (GRCh38, 1-based): chr5:112,819,334, C>G. VCF-style: chr5-112819334-C-G. GRCh37 (hg19) VCF-style: chr5-112155031-C-G.
Other names: c.1302C>G, p.Asp434Glu (NM_001127510.3, NM_001354895.2, NM_001354896.2); c.1248C>G, p.Asp416Glu (NM_001127511.3); c.1332C>G, p.Asp444Glu (NM_001354897.2); c.1227C>G, p.Asp409Glu (NM_001354898.2); c.1218C>G, p.Asp406Glu (NM_001354899.2); c.1125C>G, p.Asp375Glu (NM_001354900.2, NM_001354901.2); c.1029C>G, p.Asp343Glu (NM_001354902.2); c.999C>G, p.Asp333Glu (NM_001354903.2); and 3 more; short protein forms D308E, D333E, D406E, D274E, D343E, D409E, D416E, D434E.
Identifiers: ClinVar variation 1381100 (VCV001381100.6), dbSNP rs775172323, ClinGen allele CA027025.
Genomic context (GRCh38, chr5:112,819,334, plus strand): 5'-CGCTTACTGTGAAACCTGTTGGGAGTGGCAGGAAGCTCATGAACCAGGCATGGACCAGGA[C>G]AAAAATCCAAGTATGTTCTCTATAGTGTACATCGTAGTGCATGTTTCAAAGCAAATGTGA-3'
Protein context (NP_000029.2, residues 424-444): QEAHEPGMDQ[Asp434Glu]KNPMPAPVEH